The following is an entry in ClinVar:

ClinVar aggregate classification (germline): Likely benign (1 of 4 stars; one submission).

Allele frequency attached by ClinVar (database versions not stated): gnomAD exomes below 0.00001; ExAC 0.00001; gnomAD 0.00001.
gnomAD v4.1: 3 of 1,614,024 alleles (0.00019%); highest among the groups gnomAD compares: East Asian, 0.0067%; no homozygotes.

Submission:

CeGaT Center for Human Genetics Tuebingen
Classification: Likely benign. Last evaluated: 2022-10-01. Review status: criteria provided, single submitter. Criteria: CeGaT Center For Human Genetics Tuebingen Variant Classification Criteria Version 2. Collection method: clinical testing. Allele origin: germline. Affected: yes. Observed: 1 variant allele.
Comment: KDM3B: BP4, BP7

NM_016604.4(KDM3B):c.2937A>G (p.Ala979=)

Gene: KDM3B (lysine demethylase 3B; plus strand). Cytogenetic location: 5q31.2.
Variant type: single nucleotide variant.
Coding change: c.2937A>G on transcript NM_016604.4 (MANE Select); coding-DNA position 2937, A replaced by G.
Protein change: p.Ala979=; no amino-acid change (alanine 979 retained).
Molecular consequence: synonymous variant.
Genome position (GRCh38, 1-based): chr5:138,398,283, A>G. VCF-style: chr5-138398283-A-G. GRCh37 (hg19) VCF-style: chr5-137733972-A-G.
Identifiers: ClinVar variation 2655720 (VCV002655720.24), dbSNP rs774941476, ClinGen allele CA3429136.